The following is an entry in ClinVar:

NM_000132.4(F8):c.2138A>T (p.Asn713Ile)

Gene: F8 (coagulation factor VIII; minus strand). Cytogenetic location: Xq28.
Variant type: single nucleotide variant.
Coding change: c.2138A>T on transcript NM_000132.4 (MANE Select); coding-DNA position 2138, A replaced by T.
Protein change: p.Asn713Ile; replaces asparagine 713 with isoleucine.
Molecular consequence: missense variant.
Genome position (GRCh38, 1-based): chrX:154,931,652, T>A on the plus strand (A>T on the coding strand, the complement: F8 is on the minus strand). VCF-style: chrX-154931652-T-A. GRCh37 (hg19) VCF-style: chrX-154159927-T-A.
Other names: short protein forms N713I.
Identifiers: ClinVar variation 2691907 (VCV002691907.3), dbSNP rs1290849675, ClinGen allele CA414904027.
Genomic context (GRCh38, chrX:154,931,652, plus strand): 5'-TTCTTGTCACAACTAGAAACCTTCAGTAAGGCGGTCATGCCTCTGTTCCGAAAGTCTGAG[T>A]TGTGGCACCCCAGAATCCATAGACCTGGAGATGAGGAAGAATAAGACTCTGGTTACTCAT-3'
Protein context (NP_000123.1, residues 703-723): NPGLWILGCH[Asn713Ile]SDFRNRGMTA

ClinVar aggregate classification (germline): Likely pathogenic. Review status: reviewed by expert panel (3 of 4 stars). 2 submissions from 2 submitters: Likely pathogenic (1). 1 of the submissions does not count toward it. Last evaluated 2025-03-10.

Conditions:
Hereditary factor VIII deficiency disease (HEMA). Also called: HEMOPHILIA, CLASSIC; AUTOSOMAL HEMOPHILIA A; Hemophilia A; Hemophilia A, congenital; HEM A; Factor 8 deficiency, congenital. Identifiers: Orphanet 98878, MedGen C0019069, MONDO:0010602, OMIM 306700.

Submissions (2):

ClinGen Coagulation Factor Deficiency Variant Curation Expert Panel, Clingen
Classification: Likely pathogenic for Hereditary factor VIII deficiency disease. Last evaluated: 2025-03-10. Review status: reviewed by expert panel. Criteria: ClinGen CoagFactor ACMG Specifications F8 V1.0.0. Collection method: curation. Allele origin: germline. Inheritance: X-linked inheritance.
Comment: The c.2138A>T; p.Asn713Ile variant is completely absent from gnomAD v2.1.1 and v3.1.1. This missense variant has a REVEL score of 0.803 and meets PP3 criteria (threshold >0.6). One large Danish family with mild hemophilia A, with well over 3 meioses of variant segregation, is reported in the literature, meeting F8 phenotype criteria for PS4_Supporting and PP1_Moderate (PMID: 10886198). Monkey COS-1 cells with variant demonstrated decreased factor VIII antigen and activity levels discrepant between 1- and 2-stage assays, which meets PS3 criteria. In summary, this variant meets criteria to be classified as likely pathogenic. ACMG/AMP criteria applied, as specified by the Coagulation Factor Deficiency Variant Curation Expert Panel for F8: PS3, PS4_Supporting, PP1_Moderate, PM2_Supporting, PP3.

Center for Genomic Medicine, Rigshospitalet, Copenhagen University Hospital
Classification: Pathogenic. Last evaluated: 2025-03-04. Review status: criteria provided, single submitter. Criteria: ACMG Guidelines, 2015. Collection method: clinical testing. Allele origin: germline. Not counted in ClinVar's aggregate classification.

Literature cited by the submitters: PubMed 12428094 (cited by ClinGen Coagulation Factor Deficiency Variant Curation Expert Panel, Clingen); PubMed 10886198 (cited by Center for Genomic Medicine, Rigshospitalet, Copenhagen University Hospital).